The following is an entry in ClinVar:

NM_000297.4(PKD2):c.702G>C (p.Leu234Phe)

Gene: PKD2 (polycystin 2, transient receptor potential cation channel; plus strand). Cytogenetic location: 4q22.1.
Variant type: single nucleotide variant.
Coding change: c.702G>C on transcript NM_000297.4 (MANE Select); coding-DNA position 702, G replaced by C.
Protein change: p.Leu234Phe; replaces leucine 234 with phenylalanine.
Molecular consequence: missense variant. On other transcripts: non-coding transcript variant (1).
Genome position (GRCh38, 1-based): chr4:88,019,564, G>C. VCF-style: chr4-88019564-G-C. GRCh37 (hg19) VCF-style: chr4-88940716-G-C.
Other names: c.702G>C, p.Leu234Phe (NM_001440544.1); short protein forms L234F.
Identifiers: ClinVar variation 4691510 (VCV004691510.1).

ClinVar aggregate classification (germline): Uncertain significance (1 of 4 stars; one submission).

Conditions:
Autosomal dominant polycystic kidney disease. Identifiers: Orphanet 730, MedGen C0085413, MONDO:0004691.

Submission:

Labcorp Genetics (formerly Invitae), Labcorp
Classification: Uncertain significance for Autosomal dominant polycystic kidney disease. Last evaluated: 2025-04-03. Review status: criteria provided, single submitter. Criteria: Invitae Variant Classification Sherloc (09022015). Collection method: clinical testing. Allele origin: germline.
Comment: This sequence change replaces leucine, which is neutral and non-polar, with phenylalanine, which is neutral and non-polar, at codon 234 of the PKD2 protein (p.Leu234Phe). This variant is not present in population databases (gnomAD no frequency). This variant has not been reported in the literature in individuals affected with PKD2-related conditions. Invitae Evidence Modeling of protein sequence and biophysical properties (such as structural, functional, and spatial information, amino acid conservation, physicochemical variation, residue mobility, and thermodynamic stability) indicates that this missense variant is not expected to disrupt PKD2 protein function with a negative predictive value of 80%. In summary, the available evidence is currently insufficient to determine the role of this variant in disease. Therefore, it has been classified as a Variant of Uncertain Significance.